The following is an entry in ClinVar:

ClinVar aggregate classification (germline): Uncertain significance (1 of 4 stars; one submission).

Conditions:
Werner syndrome (WRN). Identifiers: Orphanet 902, MedGen C0043119, MONDO:0010196, OMIM 277700.

Submission:

Labcorp Genetics (formerly Invitae), Labcorp
Classification: Uncertain significance for Werner syndrome. Last evaluated: 2021-09-20. Review status: criteria provided, single submitter. Criteria: Invitae Variant Classification Sherloc (09022015). Collection method: clinical testing. Allele origin: germline.
Comment: This sequence change replaces proline with serine at codon 1300 of the WRN protein (p.Pro1300Ser). The proline residue is moderately conserved and there is a moderate physicochemical difference between proline and serine. This variant is not present in population databases (ExAC no frequency). In summary, the available evidence is currently insufficient to determine the role of this variant in disease. Therefore, it has been classified as a Variant of Uncertain Significance. Algorithms developed to predict the effect of missense changes on protein structure and function output the following: SIFT: "Not Available"; PolyPhen-2: "Benign"; Align-GVGD: "Not Available". The serine amino acid residue is found in multiple mammalian species, which suggests that this missense change does not adversely affect protein function. This variant has not been reported in the literature in individuals affected with WRN-related conditions.

NM_000553.6(WRN):c.3898C>T (p.Pro1300Ser)

Gene: WRN (WRN RecQ like helicase; plus strand). Cytogenetic location: 8p12.
Variant type: single nucleotide variant.
Coding change: c.3898C>T on transcript NM_000553.6 (MANE Select); coding-DNA position 3898, C replaced by T.
Protein change: p.Pro1300Ser; replaces proline 1300 with serine.
Molecular consequence: missense variant.
Genome position (GRCh38, 1-based): chr8:31,157,446, C>T. VCF-style: chr8-31157446-C-T. GRCh37 (hg19) VCF-style: chr8-31014962-C-T.
Other names: short protein forms P1300S.
Identifiers: ClinVar variation 1373413 (VCV001373413.6), dbSNP rs2130480825, ClinGen allele CA370929442.